The following is an entry in ClinVar:

NM_000264.5(PTCH1):c.1039G>C (p.Val347Leu)

Gene: PTCH1 (patched 1; minus strand). Cytogenetic location: 9q22.32.
Variant type: single nucleotide variant.
Coding change: c.1039G>C on transcript NM_000264.5 (MANE Select); coding-DNA position 1039, G replaced by C.
Protein change: p.Val347Leu; replaces valine 347 with leucine.
Molecular consequence: missense variant. On other transcripts: non-coding transcript variant (1).
Genome position (GRCh38, 1-based): chr9:95,479,997, C>G on the plus strand (G>C on the coding strand, the complement: PTCH1 is on the minus strand). VCF-style: chr9-95479997-C-G. GRCh37 (hg19) VCF-style: chr9-98242279-C-G.
Other names: c.841G>C, p.Val281Leu (NM_001083602.3); c.1036G>C, p.Val346Leu (NM_001083603.3); c.586G>C, p.Val196Leu (NM_001083604.3, NM_001083605.3, NM_001083606.3 and 1 more transcripts); c.1039G>C, p.Val347Leu (NM_001354918.2); short protein forms V281L, V347L, V196L, V346L.
Identifiers: ClinVar variation 409168 (VCV000409168.14), dbSNP rs1060502279, ClinGen allele CA16612869.
Genomic context (GRCh38, chr9:95,479,997, plus strand): 5'-AGGGCATAGATTGTCCTCGGGAGCTGGCTTACCTGACGAGTTTTCCAGTGCTGTTCTTGA[C>G]TGTGCCACCCACAATCAACTCCTCCTGCCAGTGCATATACTTTCTGGATAAGCCATGACA-3'
Protein context (NP_000255.2, residues 337-357): WQEELIVGGT[Val347Leu]KNSTGKLVSA

ClinVar aggregate classification (germline): Conflicting classifications of pathogenicity. Review status: criteria provided, conflicting classifications (1 of 4 stars). 3 submissions from 3 submitters: Uncertain significance (1); Benign (1); Likely benign (1). Last evaluated 2026-01-30.

Conditions:
Hereditary cancer-predisposing syndrome. Also called: Hereditary neoplastic syndrome; Neoplastic Syndromes, Hereditary; Tumor predisposition; Hereditary Cancer Syndrome. Identifiers: Orphanet 140162, MedGen C0027672, MeSH D009386, MONDO:0015356.
Gorlin syndrome. Also called: Nevoid Basal Cell Carcinoma Syndrome; Basal cell nevus syndrome. Identifiers: Orphanet 377, MedGen C0004779, MONDO:0007187.

Allele frequency attached by ClinVar (database versions not stated): gnomAD exomes 0.00001; gnomAD 0.00002; TOPMed 0.00003.
gnomAD v4.1: 9 of 1,613,970 alleles (0.00056%); highest among the groups gnomAD compares: Admixed American, 0.012%; no homozygotes.

Submissions (3):

Labcorp Genetics (formerly Invitae), Labcorp
Classification: Benign for Gorlin syndrome. Last evaluated: 2026-01-30. Review status: criteria provided, single submitter. Criteria: Invitae Variant Classification Sherloc (09022015). Collection method: clinical testing. Allele origin: germline.

GeneDx
Classification: Uncertain significance. Last evaluated: 2024-04-10. Review status: criteria provided, single submitter. Criteria: GeneDx Variant Classification Process June 2021. Collection method: clinical testing. Allele origin: germline. Affected: yes.
Comment: In silico analysis indicates that this missense variant does not alter protein structure/function; Has not been previously published as pathogenic or benign to our knowledge; This variant is associated with the following publications: (PMID: 8906794)

Ambry Genetics
Classification: Likely benign for Hereditary cancer-predisposing syndrome. Last evaluated: 2022-08-29. Review status: criteria provided, single submitter. Criteria: Ambry Variant Classification Scheme 2023. Collection method: clinical testing. Allele origin: germline.